The following is an entry in ClinVar:

NM_022437.3(ABCG8):c.1949T>G (p.Leu650Arg)

Gene: ABCG8 (ATP binding cassette subfamily G member 8; plus strand). Cytogenetic location: 2p21.
Variant type: single nucleotide variant.
Coding change: c.1949T>G on transcript NM_022437.3 (MANE Select); coding-DNA position 1949, T replaced by G.
Protein change: p.Leu650Arg; replaces leucine 650 with arginine.
Molecular consequence: missense variant.
Genome position (GRCh38, 1-based): chr2:43,877,840, T>G. VCF-style: chr2-43877840-T-G. GRCh37 (hg19) VCF-style: chr2-44104979-T-G.
Other names: c.1946T>G, p.Leu649Arg (NM_001357321.2); c.1949T>G (NM_022437.2); short protein forms L650R, L649R.
Identifiers: ClinVar variation 1357118 (VCV001357118.9), dbSNP rs1209143268, ClinGen allele CA346671394.

ClinVar aggregate classification (germline): Conflicting classifications of pathogenicity. Review status: criteria provided, conflicting classifications (1 of 4 stars). 2 submissions from 2 submitters: Likely pathogenic (1); Uncertain significance (1). Last evaluated 2024-02-23.

Conditions:
Sitosterolemia 1. Identifiers: MedGen C2749759, MONDO:0020747, OMIM 210250.

Allele frequency attached by ClinVar (database versions not stated): gnomAD exomes 0.00001; TOPMed 0.00002.
gnomAD v4.1: 2 of 1,614,158 alleles (0.00012%); highest among the groups gnomAD compares: East Asian, 0.0045%; no homozygotes.

Submissions (2):

Labcorp Genetics (formerly Invitae), Labcorp
Classification: Likely pathogenic. Last evaluated: 2024-02-23. Review status: criteria provided, single submitter. Criteria: Invitae Variant Classification Sherloc (09022015). Collection method: clinical testing. Allele origin: germline.
Comment: This sequence change replaces leucine, which is neutral and non-polar, with arginine, which is basic and polar, at codon 650 of the ABCG8 protein (p.Leu650Arg). This variant is present in population databases (no rsID available, gnomAD 0.01%). This missense change has been observed in individual(s) with sitosterolemia (PMID: 25056759). In at least one individual the data is consistent with being in trans (on the opposite chromosome) from a pathogenic variant. It has also been observed to segregate with disease in related individuals. ClinVar contains an entry for this variant (Variation ID: 1357118). Advanced modeling of protein sequence and biophysical properties (such as structural, functional, and spatial information, amino acid conservation, physicochemical variation, residue mobility, and thermodynamic stability) has been performed at Invitae for this missense variant, however the output from this modeling did not meet the statistical confidence thresholds required to predict the impact of this variant on ABCG8 protein function. In summary, the currently available evidence indicates that the variant is pathogenic, but additional data are needed to prove that conclusively. Therefore, this variant has been classified as Likely Pathogenic.

Clinical Genomics Laboratory, Stanford Medicine
Classification: Uncertain significance for Sitosterolemia 1. Last evaluated: 2022-01-11. Review status: criteria provided, single submitter. Criteria: ACMG Guidelines, 2015. Collection method: clinical testing. Allele origin: paternal. Affected: yes. Observed: 2 variant alleles, 2 heterozygotes.
Comment: Both individuals were compound heterozygous and this variant was determined to be in trans with a disease-causing variant (p.Arg164*), consistent with autosomal recessive inheritance. The presence of this variant with a disease-causing variant on the opposite allele increases suspicion for its pathogenicity. This variant has also been identified in 2/18,392 East Asian chromosomes by the Genome Aggregation Database. Although this variant has been seen in the general population, its frequency is low enough to be consistent with a recessive carrier frequency. Computational tools predict that this variant does not impact protein function; however, the accuracy of in silico algorithms is limited. These data were assessed using the ACMG/AMP variant interpretation guidelines. In summary, the significance of the p.Leu650Arg variant is uncertain. Additional information is needed to resolve the significance of this variant. [ACMG evidence codes used: PM2; PM3_moderate]_x000D_

Literature cited by the submitters: PubMed 25056759 (cited by Labcorp Genetics (formerly Invitae), Labcorp and Clinical Genomics Laboratory, Stanford Medicine).